The following is an entry in ClinVar:

NM_001080467.3(MYO5B):c.456-10T>C

Gene: MYO5B (myosin VB; minus strand). Cytogenetic location: 18q21.1.
Variant type: single nucleotide variant.
Coding change: c.456-10T>C on transcript NM_001080467.3 (MANE Select); 10 bases into the intron before coding-DNA position 456, T replaced by C.
Molecular consequence: intron variant.
Genome position (GRCh38, 1-based): chr18:50,001,421, A>G on the plus strand (T>C on the coding strand, the complement: MYO5B is on the minus strand). VCF-style: chr18-50001421-A-G. GRCh37 (hg19) VCF-style: chr18-47527791-A-G.
Other names: p.?.
Identifiers: ClinVar variation 327085 (VCV000327085.17), dbSNP rs62620046, ClinGen allele CA8961873.

ClinVar aggregate classification (germline): Benign. Review status: criteria provided, multiple submitters, no conflicts (2 of 4 stars). 5 submissions from 5 submitters: Benign (5). Last evaluated 2026-02-02.

Conditions:
Congenital microvillous atrophy (DIAR2). Also called: DAVIDSON DISEASE; MICROVILLUS ATROPHY, CONGENITAL; Microvillus inclusion disease; Diarrhea 2 with microvillus atrophy, with or without cholestasis; CONGENITAL FAMILIAL PROTRACTED DIARRHEA WITH ENTEROCYTE BRUSH-BORDER ABNORMALITIES. Identifiers: Orphanet 2290, MedGen C0341306, MONDO:0009635, OMIM 251850.

Allele frequency attached by ClinVar (database versions not stated): 1000 Genomes Project 30x 0.03560; 1000 Genomes Project 0.03594; gnomAD 0.04071; ESP Exome Variant Server 0.04616; TOPMed 0.04732.
gnomAD v4.1: 51,401 of 1,613,948 alleles (3.2%); highest among the groups gnomAD compares: African/African-American, 9.2%; 1,114 homozygotes.

Submissions (5):

Labcorp Genetics (formerly Invitae), Labcorp
Classification: Benign. Last evaluated: 2026-02-02. Review status: criteria provided, single submitter. Criteria: Invitae Variant Classification Sherloc (09022015). Collection method: clinical testing. Allele origin: germline.

Mayo Clinic Laboratories, Mayo Clinic
Classification: Benign. Last evaluated: 2024-06-20. Review status: criteria provided, single submitter. Criteria: ACMG Guidelines, 2015. Collection method: clinical testing. Allele origin: germline. Observed: 5 variant alleles.

GeneDx
Classification: Benign. Last evaluated: 2021-06-10. Review status: criteria provided, single submitter. Criteria: GeneDx Variant Classification Process June 2021. Collection method: clinical testing. Allele origin: germline. Affected: yes.

Illumina Laboratory Services, Illumina
Classification: Benign for Congenital microvillous atrophy. Last evaluated: 2018-01-13. Review status: criteria provided, single submitter. Criteria: ICSL Variant Classification Criteria 13 December 2019. Collection method: clinical testing. Allele origin: germline.
Comment: This variant was observed in the ICSL laboratory as part of a predisposition screen in an ostensibly healthy population. It had not been previously curated by ICSL or reported in the Human Gene Mutation Database (HGMD: prior to June 1st, 2018), and was therefore a candidate for classification through an automated scoring system. Utilizing variant allele frequency, disease prevalence and penetrance estimates, and inheritance mode, an automated score was calculated to assess if this variant is too frequent to cause the disease. Based on the score and internal cut-off values, a variant classified as benign is not then subjected to further curation. The score for this variant resulted in a classification of benign for this disease.

Breakthrough Genomics
Classification: Benign. Review status: criteria provided, single submitter. Criteria: ACMG Guidelines, 2015. Collection method: not provided. Allele origin: germline. Inheritance: Autosomal recessive inheritance. Affected: yes.